The following is an entry in ClinVar:

NM_002470.4(MYH3):c.3355C>G (p.Leu1119Val)

Gene: MYH3 (myosin heavy chain 3; minus strand). Cytogenetic location: 17p13.1.
Variant type: single nucleotide variant.
Coding change: c.3355C>G on transcript NM_002470.4 (MANE Select); coding-DNA position 3355, C replaced by G.
Protein change: p.Leu1119Val; replaces leucine 1119 with valine.
Molecular consequence: missense variant.
Genome position (GRCh38, 1-based): chr17:10,638,417, G>C on the plus strand (C>G on the coding strand, the complement: MYH3 is on the minus strand). VCF-style: chr17-10638417-G-C. GRCh37 (hg19) VCF-style: chr17-10541734-G-C.
Other names: short protein forms L1119V.
Identifiers: ClinVar variation 2989483 (VCV002989483.3), dbSNP rs749498434, ClinGen allele CA8392542.

ClinVar aggregate classification (germline): Uncertain significance (1 of 4 stars; one submission).

Allele frequency attached by ClinVar (database versions not stated): ExAC 0.00001; gnomAD 0.00001.
gnomAD v4.1: 5 of 1,600,108 alleles (0.00031%); highest among the groups gnomAD compares: Admixed American, 0.0017%; no homozygotes.

Submission:

Labcorp Genetics (formerly Invitae), Labcorp
Classification: Uncertain significance. Last evaluated: 2024-02-10. Review status: criteria provided, single submitter. Criteria: Invitae Variant Classification Sherloc (09022015). Collection method: clinical testing. Allele origin: germline.
Comment: This sequence change replaces leucine, which is neutral and non-polar, with valine, which is neutral and non-polar, at codon 1119 of the MYH3 protein (p.Leu1119Val). This variant is present in population databases (rs749498434, gnomAD 0.004%). This variant has not been reported in the literature in individuals affected with MYH3-related conditions. Advanced modeling of protein sequence and biophysical properties (such as structural, functional, and spatial information, amino acid conservation, physicochemical variation, residue mobility, and thermodynamic stability) performed at Invitae indicates that this missense variant is not expected to disrupt MYH3 protein function with a negative predictive value of 95%. In summary, the available evidence is currently insufficient to determine the role of this variant in disease. Therefore, it has been classified as a Variant of Uncertain Significance.